The following is an entry in ClinVar:

NM_001039141.3(TRIOBP):c.6035C>T (p.Ala2012Val)

Gene: TRIOBP (TRIO and F-actin binding protein; plus strand). Cytogenetic location: 22q13.1.
Variant type: single nucleotide variant.
Coding change: c.6035C>T on transcript NM_001039141.3 (MANE Select); coding-DNA position 6035, C replaced by T.
Protein change: p.Ala2012Val; replaces alanine 2012 with valine.
Molecular consequence: missense variant.
Genome position (GRCh38, 1-based): chr22:37,757,960, C>T. VCF-style: chr22-37757960-C-T. GRCh37 (hg19) VCF-style: chr22-38153967-C-T.
Other names: c.896C>T, p.Ala299Val (NM_007032.5, NM_138632.2); short protein forms A2012V, A299V.
Identifiers: ClinVar variation 3342406 (VCV003342406.3).

ClinVar aggregate classification (germline): Uncertain significance. Review status: criteria provided, multiple submitters, no conflicts (2 of 4 stars). 2 submissions from 2 submitters: Uncertain significance (2). Last evaluated 2024-10-09.

Conditions:
Inborn genetic diseases. Identifiers: MedGen C0950123, MeSH D030342.

gnomAD v4.1: 36 of 1,569,488 alleles (0.0023%); highest among the groups gnomAD compares: Admixed American, 0.013%; no homozygotes.

Submissions (2):

GeneDx
Classification: Uncertain significance. Last evaluated: 2024-10-09. Review status: criteria provided, single submitter. Criteria: GeneDx Variant Classification Process June 2021. Collection method: clinical testing. Allele origin: germline.
Comment: In silico analysis indicates that this missense variant does not alter protein structure/function; Has not been previously published as pathogenic or benign to our knowledge

Ambry Genetics
Classification: Uncertain significance for Inborn genetic diseases. Last evaluated: 2024-07-16. Review status: criteria provided, single submitter. Criteria: Ambry Variant Classification Scheme 2023. Collection method: clinical testing. Allele origin: germline.